The following is an entry in ClinVar:

ClinVar aggregate classification (germline): Conflicting classifications of pathogenicity. Review status: criteria provided, conflicting classifications (1 of 4 stars). 8 submissions from 8 submitters: Uncertain significance (1); Benign (2); Likely benign (5). Last evaluated 2025-04-07.

Conditions:
Hereditary cancer-predisposing syndrome. Also called: Tumor predisposition; Neoplastic Syndromes, Hereditary; Hereditary Cancer Syndrome; Hereditary neoplastic syndrome. Identifiers: Orphanet 140162, MedGen C0027672, MeSH D009386, MONDO:0015356.
Tuberous sclerosis syndrome (TSC). Also called: Tuberous Sclerosis Complex; Tuberous sclerosis. Identifiers: Orphanet 805, MedGen C0041341, MONDO:0001734.
Tuberous sclerosis 1 (TSC1). Identifiers: Orphanet 805, MedGen C1854465, MONDO:0008612, OMIM 191100.

Allele frequency attached by ClinVar (database versions not stated): TOPMed 0.00001; ExAC 0.00002; ESP Exome Variant Server 0.00008; gnomAD 0.00001; gnomAD exomes 0.00001.

Submissions (8):

Myriad Genetics, Inc.
Classification: Benign for Tuberous sclerosis 1. Last evaluated: 2025-04-07. Review status: criteria provided, single submitter. Criteria: Myriad Autosomal Dominant, Autosomal Recessive and X-Linked Classification Criteria (2023). Collection method: clinical testing. Allele origin: unknown.
Comment: This variant is considered benign. This variant is a silent/synonymous amino acid change and it is not expected to impact splicing.

Labcorp Genetics (formerly Invitae), Labcorp
Classification: Likely benign for Tuberous sclerosis 1. Last evaluated: 2025-03-23. Review status: criteria provided, single submitter. Criteria: Invitae Variant Classification Sherloc (09022015). Collection method: clinical testing. Allele origin: germline.

All of Us Research Program, National Institutes of Health
Classification: Likely benign for Tuberous sclerosis syndrome. Last evaluated: 2024-05-30. Review status: criteria provided, single submitter. Criteria: ACMG Guidelines, 2015. Collection method: clinical testing. Allele origin: germline. Inheritance: Autosomal dominant inheritance. Observed: 1 variant allele, 1 heterozygote.
Comment: This study involves interpretation of variants in research participants for the purpose of population health screening. Participant phenotype was not available at the time of variant classification. Additional details can be found in publication PMID: 35346344, PMCID: PMC8962531

Color Diagnostics, LLC DBA Color Health
Classification: Likely benign for Tuberous sclerosis syndrome. Last evaluated: 2024-05-14. Review status: criteria provided, single submitter. Criteria: ACMG Guidelines, 2015. Collection method: clinical testing. Allele origin: germline.

Sema4
Classification: Uncertain significance for Hereditary cancer-predisposing syndrome. Last evaluated: 2022-03-18. Review status: criteria provided, single submitter. Criteria: Sema4 Curation Guidelines. Collection method: curation. Allele origin: germline.
Comment: The TSC1 c.135G>A (p.L45=) variant has not been reported in the literature to our knowledge. It was observed in 2/10074 chromosomes of the Ashkenazi Jewish subpopulation in the large and broad cohorts of the Genome Aggregation Database (PMID: 32461654). This variant has been reported in ClinVar (Variation ID 486568). The nucleotide is moderately conserved and in silico tools that predict the effect of sequence changes on splicing suggest that this variant may not impact splicing, though these predictions have not been confirmed by functional studies. The evidence is insufficient to meet ACMG/AMP criteria for classifying the variant as benign or pathogenic. Thus, the clinical significance of this variant is currently uncertain.

Genome-Nilou Lab
Classification: Benign for Tuberous sclerosis 1. Last evaluated: 2021-11-07. Review status: criteria provided, single submitter. Criteria: ACMG Guidelines, 2015. Collection method: clinical testing. Allele origin: germline. Affected: no.

Athena Diagnostics
Classification: Likely benign. Last evaluated: 2018-03-05. Review status: criteria provided, single submitter. Criteria: Athena Diagnostics Criteria. Collection method: clinical testing. Allele origin: germline.

Ambry Genetics
Classification: Likely benign for Hereditary cancer-predisposing syndrome. Last evaluated: 2017-02-14. Review status: criteria provided, single submitter. Criteria: Ambry Variant Classification Scheme 2023. Collection method: clinical testing. Allele origin: germline.

NM_000368.5(TSC1):c.135G>A (p.Leu45=)

Gene: TSC1 (TSC complex subunit 1; minus strand). Cytogenetic location: 9q34.13.
Variant type: single nucleotide variant.
Coding change: c.135G>A on transcript NM_000368.5 (MANE Select); coding-DNA position 135, G replaced by A.
Protein change: p.Leu45=; no amino-acid change (leucine 45 retained).
Molecular consequence: synonymous variant. On other transcripts: intron variant (1).
Genome position (GRCh38, 1-based): chr9:132,927,276, C>T on the plus strand (G>A on the coding strand, the complement: TSC1 is on the minus strand). VCF-style: chr9-132927276-C-T. GRCh37 (hg19) VCF-style: chr9-135802663-C-T.
Other names: c.135G>A, p.Leu45= (NM_001162426.2, NM_001162427.2); c.-154+1491G>A (NM_001362177.2).
Identifiers: ClinVar variation 486568 (VCV000486568.22), dbSNP rs149278759, ClinGen allele CA028469.